The following is an entry in ClinVar:

NM_018129.4(PNPO):c.114C>T (p.Arg38=)

Gene: PNPO (pyridoxamine 5'-phosphate oxidase; plus strand). Cytogenetic location: 17q21.32.
Variant type: single nucleotide variant.
Coding change: c.114C>T on transcript NM_018129.4 (MANE Select); coding-DNA position 114, C replaced by T.
Protein change: p.Arg38=; no amino-acid change (arginine 38 retained).
Molecular consequence: synonymous variant.
Genome position (GRCh38, 1-based): chr17:47,941,789, C>T. VCF-style: chr17-47941789-C-T. GRCh37 (hg19) VCF-style: chr17-46019155-C-T.
Identifiers: ClinVar variation 1985714 (VCV001985714.1), dbSNP rs957584543, ClinGen allele CA291293168.

ClinVar aggregate classification (germline): Uncertain significance (1 of 4 stars; one submission).

Conditions:
Pyridoxal phosphate-responsive seizures (PNPOD). Also called: Pyridoxamine 5-Prime-Phosphate Oxidase Deficiency; Pyridoxine-5'-phosphate oxidase deficiency; EPILEPTIC ENCEPHALOPATHY, NEONATAL, PNPO-RELATED; SEIZURES, PYRIDOXINE-RESISTANT, PLP-SENSITIVE; Pyridoxal 5'-Phosphate (PLP)-Dependent Epilepsy. Identifiers: Orphanet 79096, MedGen C1864723, MONDO:0012407, OMIM 610090. Disease mechanism: loss of function.

Allele frequency attached by ClinVar (database versions not stated): gnomAD 0.00001; TOPMed 0.00001.
gnomAD v4.1: 4 of 1,570,072 alleles (0.00025%); highest among the groups gnomAD compares: African/African-American, 0.0041%; no homozygotes.

Submission:

Labcorp Genetics (formerly Invitae), Labcorp
Classification: Uncertain significance for Pyridoxal phosphate-responsive seizures. Last evaluated: 2022-07-19. Review status: criteria provided, single submitter. Criteria: Invitae Variant Classification Sherloc (09022015). Collection method: clinical testing. Allele origin: germline.
Comment: This sequence change affects codon 38 of the PNPO mRNA. It is a 'silent' change, meaning that it does not change the encoded amino acid sequence of the PNPO protein. This variant is not present in population databases (gnomAD no frequency). This variant has not been reported in the literature in individuals affected with PNPO-related conditions. Algorithms developed to predict the effect of sequence changes on RNA splicing suggest that this variant may create or strengthen a splice site. In summary, the available evidence is currently insufficient to determine the role of this variant in disease. Therefore, it has been classified as a Variant of Uncertain Significance.